The following is an entry in ClinVar:

NM_002645.4(PIK3C2A):c.4039A>G (p.Ser1347Gly)

Gene: PIK3C2A (phosphatidylinositol-4-phosphate 3-kinase catalytic subunit type 2 alpha; minus strand). Cytogenetic location: 11p15.1.
Variant type: single nucleotide variant.
Coding change: c.4039A>G on transcript NM_002645.4 (MANE Select); coding-DNA position 4039, A replaced by G.
Protein change: p.Ser1347Gly; replaces serine 1347 with glycine.
Molecular consequence: missense variant.
Genome position (GRCh38, 1-based): chr11:17,099,939, T>C on the plus strand (A>G on the coding strand, the complement: PIK3C2A is on the minus strand). VCF-style: chr11-17099939-T-C. GRCh37 (hg19) VCF-style: chr11-17121486-T-C.
Other names: c.4039A>G, p.Ser1347Gly (NM_001321378.2); c.2899A>G, p.Ser967Gly (NM_001321380.2); c.3871A>G, p.Ser1291Gly (NM_001386870.1); c.4039A>G (NM_002645.2); short protein forms S1347G, S1291G, S967G.
Identifiers: ClinVar variation 2173193 (VCV002173193.5), dbSNP rs143031175, ClinGen allele CA5900618.
Genomic context (GRCh38, chr11:17,099,939, plus strand): 5'-CTTCTGCGTCTGTAGTTTGGGGTTGAAGTGCATCTCTAACGTATTTCAAATCTTGAATAC[T>C]TGTAAGTTCTGGTAACCCTGAAGGAATCATCTGTAGAAGAAAACAAAAAGTTCTGTGAGT-3'
Protein context (NP_002636.2, residues 1337-1357): MIPSGLPELT[Ser1347Gly]IQDLKYVRDA

ClinVar aggregate classification (germline): Uncertain significance. Review status: criteria provided, multiple submitters, no conflicts (2 of 4 stars). 2 submissions from 2 submitters: Uncertain significance (2). Last evaluated 2025-09-09.

Allele frequency attached by ClinVar (database versions not stated): ExAC 0.00001; gnomAD exomes 0.00001; TOPMed 0.00002; gnomAD 0.00003; ESP Exome Variant Server 0.00008.
gnomAD v4.1: 16 of 1,585,006 alleles (0.001%); highest among the groups gnomAD compares: Middle Eastern, 0.017%; no homozygotes.

Submissions (2):

Ambry Genetics
Classification: Uncertain significance. Last evaluated: 2025-09-09. Review status: criteria provided, single submitter. Criteria: Ambry Variant Classification Scheme 2023. Collection method: clinical testing. Allele origin: germline.

Labcorp Genetics (formerly Invitae), Labcorp
Classification: Uncertain significance. Last evaluated: 2022-08-02. Review status: criteria provided, single submitter. Criteria: Invitae Variant Classification Sherloc (09022015). Collection method: clinical testing. Allele origin: germline.
Comment: This sequence change replaces serine, which is neutral and polar, with glycine, which is neutral and non-polar, at codon 1347 of the PIK3C2A protein (p.Ser1347Gly). This variant is present in population databases (rs143031175, gnomAD 0.01%). This variant has not been reported in the literature in individuals affected with PIK3C2A-related conditions. Algorithms developed to predict the effect of missense changes on protein structure and function are either unavailable or do not agree on the potential impact of this missense change (SIFT: "Not Available"; PolyPhen-2: "Benign"; Align-GVGD: "Not Available"). In summary, the available evidence is currently insufficient to determine the role of this variant in disease. Therefore, it has been classified as a Variant of Uncertain Significance.